The following is an entry in ClinVar:

ClinVar aggregate classification (germline): Uncertain significance (1 of 4 stars; one submission).

Conditions:
Intellectual developmental disorder, X-linked, syndromic, Turner type. Also called: X-linked intellectual disability, Turner type; Intellectual disability, X-linked syndromic, Turner type. Identifiers: Orphanet 3056, Orphanet 85328, MedGen C2678046, MONDO:0010407, OMIM 309590.

Submission:

MGZ Medical Genetics Center
Classification: Uncertain significance for Intellectual developmental disorder, X-linked, syndromic, Turner type. Last evaluated: 2022-02-24. Review status: criteria provided, single submitter. Criteria: ACMG Guidelines, 2015. Collection method: clinical testing. Allele origin: germline. Affected: yes. Observed: 1 variant allele.
Comment: ACMG criteria applied: PM4, PM2_SUP, PP3

NM_031407.7(HUWE1):c.3205CTT[1] (p.Leu1070del)

Gene: HUWE1 (HECT, UBA and WWE domain containing E3 ubiquitin protein ligase 1; minus strand). Cytogenetic location: Xp11.22.
Variant type: Microsatellite.
Coding change: c.3205CTT[1] on transcript NM_031407.7 (MANE Select); one copy of the 3-base unit CTT starting at c.3205; the reference has two copies in a row; one copy, 3 bases deleted; also written c.3208_3210del.
Protein change: p.Leu1070del; deletes leucine 1070.
Molecular consequence: inframe deletion.
Genome position (GRCh38, 1-based): chrX:53,595,357-53,595,359, AAG deleted on the plus strand (CTT on the coding strand, the reverse complement: HUWE1 is on the minus strand); deleting any 3 consecutive bases within chrX:53,595,357-53,595,362 gives the same sequence; the position shown is the placement nearest the transcript's 3' end. VCF-style (leftmost placement, unchanged base first): chrX-53595356-CAAG-C. GRCh37 (hg19) VCF-style: chrX-53622316-CAAG-C.
Other names: c.3208_3210del (NM_031407.7); short protein forms L1070del.
Identifiers: ClinVar variation 1708969 (VCV001708969.2), dbSNP rs2526295478, ClinGen allele CA2580612344.